The following is an entry in ClinVar:

NM_016188.5(ACTL6B):c.740G>A (p.Trp247Ter)

Gene: ACTL6B (actin like 6B; minus strand). Cytogenetic location: 7q22.1.
Variant type: single nucleotide variant.
Coding change: c.740G>A on transcript NM_016188.5 (MANE Select); coding-DNA position 740, G replaced by A.
Protein change: p.Trp247Ter; replaces tryptophan 247 with a stop codon.
Molecular consequence: nonsense. On other transcripts: non-coding transcript variant (1).
Genome position (GRCh38, 1-based): chr7:100,647,463, C>T on the plus strand (G>A on the coding strand, the complement: ACTL6B is on the minus strand). VCF-style: chr7-100647463-C-T. GRCh37 (hg19) VCF-style: chr7-100245086-C-T.
Other names: short protein forms W247*.
Identifiers: ClinVar variation 692142 (VCV000692142.8), dbSNP rs1562848556, ClinGen allele CA368544160.
Genomic context (GRCh38, chr7:100,647,463, plus strand): 5'-CAGGGGAGGGGGGTTTCAGGTGGCCCTCTCCAGAGGCTCACATTACACATGTAGTTATGC[C>T]AGGACTTGGAGACCTGGGGTAGCTTCTCCTTCTTCTTCCAGTTTGGGGGGGCACCCTCCC-3'

ClinVar aggregate classification (germline): Likely pathogenic. Review status: criteria provided, multiple submitters, no conflicts (2 of 4 stars). 4 submissions from 4 submitters: Likely pathogenic (2). 2 of the submissions do not count toward it. Last evaluated 2021-01-07.

Conditions:
ACTL6B-related recessive epilepsy.
ACTL6B-related disorder. Also called: ACTL6B-related condition.
Developmental and epileptic encephalopathy, 76. Also called: EPILEPTIC ENCEPHALOPATHY, EARLY INFANTILE, 76; DEVELOPMENTAL DELAY, EPILEPTIC ENCEPHALOPATHY, CEREBRAL ATROPHY, AND ABNORMAL MYELINATION. Identifiers: MedGen C5193113, MONDO:0032768, OMIM 618468.

Allele frequency attached by ClinVar (database versions not stated): gnomAD exomes below 0.00001; gnomAD 0.00001.
gnomAD v4.1: 3 of 1,612,550 alleles (0.00019%); highest among the groups gnomAD compares: African/African-American, 0.0013%; no homozygotes.

Submissions (4):

Revvity Omics, Revvity
Classification: Likely pathogenic. Last evaluated: 2021-01-07. Review status: criteria provided, single submitter. Criteria: ACMG Guidelines, 2015. Collection method: clinical testing. Allele origin: germline.

SIB Swiss Institute of Bioinformatics
Classification: Likely pathogenic for Developmental and epileptic encephalopathy, 76. Last evaluated: 2019-07-28. Review status: criteria provided, single submitter. Criteria: ACMG Guidelines, 2015. Collection method: curation. Allele origin: unknown.
Comment: This variant is interpreted as a Likely pathogenic for Epileptic encephalopathy, early infantile, 76, autosomal recessive. The following ACMG Tag(s) were applied: PM2, PVS1-Strong.

PreventionGenetics, part of Exact Sciences
Classification: Likely pathogenic for ACTL6B-related condition. Last evaluated: 2024-05-03. Review status: no assertion criteria provided. Collection method: clinical testing. Allele origin: germline. Not counted in ClinVar's aggregate classification.
Comment: The ACTL6B c.740G>A variant is predicted to result in premature protein termination (p.Trp247*). This variant was reported in the compound heterozygous state in an individual with global development delay, epileptic encephalopathy, and spasticity (Bell et al. 2019. PubMed ID: 31031012). This variant is reported in 0.011% of alleles in individuals of African descent in gnomAD. Nonsense variants in ACTL6B are expected to be pathogenic. This variant is interpreted as likely pathogenic.

CHU Sainte-Justine Research Center, University of Montreal
Classification: Likely pathogenic for ACTL6B-related recessive epilepsy. Last evaluated: 2019-03-01. Review status: no assertion criteria provided. Collection method: research. Allele origin: germline. Affected: yes. Not counted in ClinVar's aggregate classification.

Literature cited by the submitters: PubMed 31031012 (cited by SIB Swiss Institute of Bioinformatics).